The following is an entry in ClinVar:

ClinVar aggregate classification (germline): Likely benign (1 of 4 stars; one submission).

Conditions:
Hereditary retinoblastoma. Identifiers: Orphanet 357027, MedGen C0751483, MONDO:0018160.

Submission:

Ramesar Group, Division of Human Genetics, Institute of Infectious Diseases and Molecular Medicine, UCT/MRC Genomic and Precision Medicine Research Unit, University of Cape Town
Classification: Likely benign for Hereditary retinoblastoma. Last evaluated: 2025-09-17. Review status: criteria provided, single submitter. Criteria: ACMG Guidelines, 2015. Collection method: research. Allele origin: germline. Affected: no.
Comment: BP5 - Variant found in a patient with a different retinal disease; RB1 is not associated with the phenotype BP7 - A non-coding variant with no predicted effect on splicing (SpliceAI scores are negligible)

NM_000321.3(RB1):c.2212-48A>T

Gene: RB1 (RB transcriptional corepressor 1; plus strand). Cytogenetic location: 13q14.2.
Variant type: single nucleotide variant.
Coding change: c.2212-48A>T on transcript NM_000321.3 (MANE Select); 48 bases into the intron before coding-DNA position 2212, A replaced by T.
Molecular consequence: intron variant.
Genome position (GRCh38, 1-based): chr13:48,464,950, A>T. VCF-style: chr13-48464950-A-T. GRCh37 (hg19) VCF-style: chr13-49039086-A-T.
Other names: c.2212-48A>T (NM_001407165.1).
Identifiers: ClinVar variation 4759381 (VCV004759381.1), dbSNP rs78988983.